The following is an entry in ClinVar:

NM_001040108.2(MLH3):c.1870G>T (p.Glu624Ter)

Gene: MLH3 (mutL homolog 3; minus strand). Cytogenetic location: 14q24.3.
Variant type: single nucleotide variant.
Coding change: c.1870G>T on transcript NM_001040108.2 (MANE Select); coding-DNA position 1870, G replaced by T.
Protein change: p.Glu624Ter; replaces glutamic acid 624 with a stop codon.
Molecular consequence: nonsense.
Genome position (GRCh38, 1-based): chr14:75,047,786, C>A on the plus strand (G>T on the coding strand, the complement: MLH3 is on the minus strand). VCF-style: chr14-75047786-C-A. GRCh37 (hg19) VCF-style: chr14-75514489-C-A.
Other names: c.1870G>T, p.Glu624Ter (NM_014381.3); short protein forms E624*.
Identifiers: ClinVar variation 3726463 (VCV003726463.2).

ClinVar aggregate classification (germline): Uncertain significance (1 of 4 stars; one submission).

Conditions:
Colorectal cancer, hereditary nonpolyposis, type 7. Identifiers: Orphanet 144, MedGen C1858380, MONDO:0013725, OMIM 614385.

Submission:

Labcorp Genetics (formerly Invitae), Labcorp
Classification: Uncertain significance for Colorectal cancer, hereditary nonpolyposis, type 7. Last evaluated: 2024-12-02. Review status: criteria provided, single submitter. Criteria: Invitae Variant Classification Sherloc (09022015). Collection method: clinical testing. Allele origin: germline.
Comment: This sequence change creates a premature translational stop signal (p.Glu624*) in the MLH3 gene. It is expected to result in an absent or disrupted protein product. However, the current clinical and genetic evidence is not sufficient to establish whether loss-of-function variants in MLH3 cause disease. This variant is not present in population databases (gnomAD no frequency). This variant has not been reported in the literature in individuals affected with MLH3-related conditions. In summary, the available evidence is currently insufficient to determine the role of this variant in disease. Therefore, it has been classified as a Variant of Uncertain Significance.